The following is an entry in ClinVar:

ClinVar aggregate classification (germline): Uncertain significance (1 of 4 stars; one submission).

Submission:

GeneDx
Classification: Uncertain significance. Last evaluated: 2022-08-30. Review status: criteria provided, single submitter. Criteria: GeneDx Variant Classification Process June 2021. Collection method: clinical testing. Allele origin: germline. Affected: yes.
Comment: Not observed at significant frequency in large population cohorts (gnomAD); Frameshift variant predicted to result in protein elongation as the last 7 amino acids are replaced with 15 different amino acids, although loss-of-function variants have not been reported downstream of this position in the protein; Has not been previously published as pathogenic or benign to our knowledge

NM_001007553.3(CSDE1):c.2374del (p.Arg792fs)

Gene: CSDE1 (cold shock domain containing E1; minus strand). Cytogenetic location: 1p13.2.
Variant type: Deletion.
Coding change: c.2374del on transcript NM_001007553.3 (MANE Select); coding-DNA position 2374, one base deleted (C; older notation c.2374delC).
Protein change: p.Arg792fs; shifts the reading frame from arginine 792.
Molecular consequence: frameshift variant.
Genome position (GRCh38, 1-based): chr1:114,718,192, G deleted on the plus strand (C on the coding strand, the reverse complement: CSDE1 is on the minus strand); the first of 2 consecutive G bases (chr1:114,718,192-114,718,193); deleting either gives the same sequence. VCF-style (leftmost placement, unchanged base first): chr1-114718191-CG-C. GRCh37 (hg19) VCF-style: chr1-115260812-CG-C.
Other names: c.2419del, p.Arg807fs (NM_001130523.3); c.2512del, p.Arg838fs (NM_001242891.2); c.2374del, p.Arg792fs (NM_001242892.2); c.2281del, p.Arg761fs (NM_001242893.2, NM_007158.6); short protein forms R761fs, R792fs, R807fs, R838fs.
Identifiers: ClinVar variation 1697143 (VCV001697143.3), dbSNP rs1311412281, ClinGen allele CA885814135.
Genomic context (GRCh38, chr1:114,718,191, plus strand): 5'-TGATCATAGTGGATTAATGGTGTGCTTTGTGGATGTGGTTAGTCAATGACACCAGCTTGA[CG>C]GATCTTTCTTTCTGCACCAAACCCCTGTGGGGGGGAGAAAAAAAAAACCCTGCAGTTAAT-3'